The following is an entry in ClinVar:

ClinVar aggregate classification (germline): Uncertain significance (1 of 4 stars; one submission).

Allele frequency attached by ClinVar (database versions not stated): gnomAD exomes below 0.00001; gnomAD 0.00001; TOPMed 0.00001.

Submission:

Labcorp Genetics (formerly Invitae), Labcorp
Classification: Uncertain significance. Last evaluated: 2022-07-17. Review status: criteria provided, single submitter. Criteria: Invitae Variant Classification Sherloc (09022015). Collection method: clinical testing. Allele origin: germline.
Comment: This sequence change creates a premature translational stop signal (p.Glu4961*) in the FAT4 gene. While this is not anticipated to result in nonsense mediated decay, it is expected to disrupt the last 21 amino acid(s) of the FAT4 protein. This variant is present in population databases (no rsID available, gnomAD 0.002%). This variant has not been reported in the literature in individuals affected with FAT4-related conditions. Experimental studies and prediction algorithms are not available or were not evaluated, and the functional significance of this variant is currently unknown. In summary, the available evidence is currently insufficient to determine the role of this variant in disease. Therefore, it has been classified as a Variant of Uncertain Significance.

NM_001291303.3(FAT4):c.14886dup (p.Glu4963Ter)

Gene: FAT4 (FAT atypical cadherin 4; plus strand). Cytogenetic location: 4q28.1.
Variant type: Duplication.
Coding change: c.14886dup on transcript NM_001291303.3 (MANE Select); coding-DNA position 14886, one base duplicated (T; older notation c.14886dupT).
Protein change: p.Glu4963Ter; replaces glutamic acid 4963 with a stop codon.
Molecular consequence: nonsense.
Genome position (GRCh38, 1-based): chr4:125,491,702, T duplicated. VCF-style (leftmost placement, unchanged base first): chr4-125491701-A-AT. GRCh37 (hg19) VCF-style: chr4-126412856-A-AT.
Other names: c.14883dup, p.Glu4962Ter (NM_001291285.3); c.14880dup, p.Glu4961Ter (NM_024582.6); short protein forms E4961*, E4962*, E4963*.
Identifiers: ClinVar variation 2017979 (VCV002017979.4), dbSNP rs1161918352, ClinGen allele CA555019525.